The following is an entry in ClinVar:

ClinVar aggregate classification (germline): Likely pathogenic (1 of 4 stars; one submission).

Conditions:
Periventricular nodular heterotopia 6 (PVNH6). Identifiers: Orphanet 2149, MedGen C3809872, MONDO:0014240, OMIM 615544.

Allele frequency attached by ClinVar (database versions not stated): gnomAD exomes 0.00001; ExAC 0.00002.

Submission:

Diagnostics Services (NGS), CSIR - Centre For Cellular And Molecular Biology
Classification: Likely pathogenic for Periventricular nodular heterotopia 6. Last evaluated: 2023-01-30. Review status: criteria provided, single submitter. Criteria: ACMG Guidelines, 2015. Collection method: clinical testing. Allele origin: unknown. Affected: yes. Observed: 1 variant allele, 1 heterozygote.
Comment: The c.277C>T variant is not present in publicly available population databases like 1000 Genomes, ExAC, EVS, gnomAD, Indian Exome Database or our in-house exome database. This variant has neither been published in literature nor reported to clinical databases like in ClinVar, Human Gene Mutation Database (HGMD) or OMIM, in any affected individuals. In silico pathogenicity prediction programs like MutationTaster2, CADD, Franklin etc predicted this variant to be likely deleterious. The variant creates a premature translational stop signal at the 93rd amino acid position of the wild-type transcript that may either result in translation of a truncated protein or cause nonsense mediated decay of the mRNA.

NM_018341.3(ERMARD):c.277C>T (p.Arg93Ter)

Gene: ERMARD (ER membrane associated RNA degradation; plus strand). Cytogenetic location: 6q27.
Variant type: single nucleotide variant.
Coding change: c.277C>T on transcript NM_018341.3 (MANE Select); coding-DNA position 277, C replaced by T.
Protein change: p.Arg93Ter; replaces arginine 93 with a stop codon.
Molecular consequence: nonsense. On other transcripts: 5 prime UTR variant (1).
Genome position (GRCh38, 1-based): chr6:169,755,384, C>T. VCF-style: chr6-169755384-C-T. GRCh37 (hg19) VCF-style: chr6-170155480-C-T.
Other names: c.277C>T, p.Arg93Ter (NM_001278531.2, NM_001278533.2); c.-102C>T (NM_001278532.2, NM_001410957.1); short protein forms R93*.
Identifiers: ClinVar variation 2429374 (VCV002429374.3), dbSNP rs762266071, ClinGen allele CA4105781.